The following is an entry in ClinVar:

NM_004082.5(DCTN1):c.3797A>G (p.Gln1266Arg)

Gene: DCTN1 (dynactin subunit 1; minus strand). Cytogenetic location: 2p13.1.
Variant type: single nucleotide variant.
Coding change: c.3797A>G on transcript NM_004082.5 (MANE Select); coding-DNA position 3797, A replaced by G.
Protein change: p.Gln1266Arg; replaces glutamine 1266 with arginine.
Molecular consequence: missense variant. On other transcripts: non-coding transcript variant (1).
Genome position (GRCh38, 1-based): chr2:74,361,539, T>C on the plus strand (A>G on the coding strand, the complement: DCTN1 is on the minus strand). VCF-style: chr2-74361539-T-C. GRCh37 (hg19) VCF-style: chr2-74588666-T-C.
Other names: c.3722A>G, p.Gln1241Arg (NM_001135040.3); c.3380A>G, p.Gln1127Arg (NM_001135041.3); c.3671A>G, p.Gln1224Arg (NM_001190836.2); c.3776A>G, p.Gln1259Arg (NM_001190837.2); c.3746A>G, p.Gln1249Arg (NM_001378991.1); c.3728A>G, p.Gln1243Arg (NM_001378992.1); c.3395A>G, p.Gln1132Arg (NM_023019.4); short protein forms Q1127R, Q1132R, Q1224R, Q1241R, Q1243R, Q1249R, Q1259R, Q1266R.
Identifiers: ClinVar variation 1715479 (VCV001715479.6), dbSNP rs2529065413, ClinGen allele CA347334488.

ClinVar aggregate classification (germline): Uncertain significance (1 of 4 stars; one submission).

Conditions:
Amyotrophic lateral sclerosis type 1 (ALS1). Also called: AMYOTROPHIC LATERAL SCLEROSIS 1, FAMILIAL. Identifiers: Orphanet 803, MedGen C1862939, MONDO:0007103, OMIM 105400.
Perry syndrome. Also called: PARKINSONISM WITH ALVEOLAR HYPOVENTILATION AND MENTAL DEPRESSION. Identifiers: Orphanet 178509, MedGen C1868594, MONDO:0008201, OMIM 168605.
Neuronopathy, distal hereditary motor, type 7B. Also called: NEURONOPATHY, DISTAL HEREDITARY MOTOR, AUTOSOMAL DOMINANT 14; NEURONOPATHY, DISTAL HEREDITARY MOTOR, HARDING TYPE VIIB; NEUROPATHY, DISTAL HEREDITARY MOTOR, HARDING TYPE VIIB; NEUROPATHY, DISTAL HEREDITARY MOTOR, WITH VOCAL CORD PARALYSIS, HARDING TYPE VIIB; HMN VIIB; LOWER MOTOR NEURON DISEASE, DYNACTIN TYPE. Identifiers: Orphanet 139589, MedGen C1843315, MONDO:0011879, OMIM 607641.

Submission:

Labcorp Genetics (formerly Invitae), Labcorp
Classification: Uncertain significance for Amyotrophic lateral sclerosis type 1; Neuronopathy, distal hereditary motor, type 7B; Perry syndrome. Last evaluated: 2024-10-15. Review status: criteria provided, single submitter. Criteria: Invitae Variant Classification Sherloc (09022015). Collection method: clinical testing. Allele origin: germline.
Comment: This sequence change replaces glutamine, which is neutral and polar, with arginine, which is basic and polar, at codon 1266 of the DCTN1 protein (p.Gln1266Arg). This variant is not present in population databases (gnomAD no frequency). This variant has not been reported in the literature in individuals affected with DCTN1-related conditions. ClinVar contains an entry for this variant (Variation ID: 1715479). Invitae Evidence Modeling of protein sequence and biophysical properties (such as structural, functional, and spatial information, amino acid conservation, physicochemical variation, residue mobility, and thermodynamic stability) indicates that this missense variant is not expected to disrupt DCTN1 protein function with a negative predictive value of 95%. In summary, the available evidence is currently insufficient to determine the role of this variant in disease. Therefore, it has been classified as a Variant of Uncertain Significance.